The following is an entry in ClinVar:

ClinVar aggregate classification (germline): Uncertain significance (1 of 4 stars; one submission).

Conditions:
Hypertrophic cardiomyopathy. Also called: HYPERTROPHIC MYOCARDIOPATHY. Identifiers: Orphanet 217569, MedGen C0007194, MeSH D002312, MONDO:0005045, HP:0001639.

Allele frequency attached by ClinVar (database versions not stated): gnomAD exomes below 0.00001.
gnomAD v4.1: 1 of 1,612,820 alleles (0.000062%); highest among the groups gnomAD compares: South Asian, 0.0011%; no homozygotes.

Submission:

All of Us Research Program, National Institutes of Health
Classification: Uncertain significance for Hypertrophic cardiomyopathy. Last evaluated: 2023-12-13. Review status: criteria provided, single submitter. Criteria: ACMG Guidelines, 2015. Collection method: clinical testing. Allele origin: germline. Inheritance: Autosomal dominant inheritance. Observed: 1 variant allele, 1 heterozygote.
Comment: This missense variant replaces proline with leucine at codon 81 of the PRKAG2 protein. Computational prediction suggests that this variant may not impact protein structure and function (internally defined REVEL score threshold <= 0.5, PMID: 27666373). To our knowledge, functional studies have not been reported for this variant. This variant has not been reported in individuals affected with PRKAG2-related disorders in the literature. This variant has not been identified in the general population by the Genome Aggregation Database (gnomAD). The available evidence is insufficient to determine the role of this variant in disease conclusively. Therefore, this variant is classified as a Variant of Uncertain Significance.

This study involves interpretation of variants in research participants for the purpose of population health screening. Participant phenotype was not available at the time of variant classification. Additional details can be found in publication PMID: 35346344, PMCID: PMC8962531

NM_016203.4(PRKAG2):c.242C>T (p.Pro81Leu)

Gene: PRKAG2 (protein kinase AMP-activated non-catalytic subunit gamma 2; minus strand). Cytogenetic location: 7q36.1.
Variant type: single nucleotide variant.
Coding change: c.242C>T on transcript NM_016203.4 (MANE Select); coding-DNA position 242, C replaced by T.
Protein change: p.Pro81Leu; replaces proline 81 with leucine.
Molecular consequence: missense variant. On other transcripts: intron variant (1).
Genome position (GRCh38, 1-based): chr7:151,781,376, G>A on the plus strand (C>T on the coding strand, the complement: PRKAG2 is on the minus strand). VCF-style: chr7-151781376-G-A. GRCh37 (hg19) VCF-style: chr7-151478462-G-A.
Other names: c.110C>T, p.Pro37Leu (NM_001040633.2, NM_001407024.1, NM_001407026.1 and 2 more transcripts); c.242C>T, p.Pro81Leu (NM_001407021.1, NM_001407022.1, NM_001407023.1 and 2 more transcripts); c.148+33040C>T (NM_001407032.1); short protein forms P37L, P81L.
Identifiers: ClinVar variation 3074741 (VCV003074741.1), dbSNP rs2537923337, ClinGen allele CA370069836.